The following is an entry in ClinVar:

ClinVar aggregate classification (germline): Benign/Likely benign. Review status: criteria provided, multiple submitters, no conflicts (2 of 4 stars). 10 submissions from 10 submitters: Benign (8); Likely benign (1). 1 of the submissions does not count toward it. Last evaluated 2026-02-04.

Conditions:
Fanconi anemia complementation group P. Also called: SLX4-Related Fanconi Anemia. Identifiers: Orphanet 84, MedGen C3469542, MONDO:0013499, OMIM 613951.
Fanconi anemia (FA). Also called: Fanconi's anemia. Identifiers: Orphanet 84, MedGen C0015625, MeSH D005199, MONDO:0019391.

Allele frequency attached by ClinVar (database versions not stated): 1000 Genomes Project 0.06210; gnomAD exomes 0.06365; 1000 Genomes Project 30x 0.06465; ExAC 0.06607; gnomAD 0.07214 and 0.07388; TOPMed 0.07310; ESP Exome Variant Server 0.07573.
gnomAD v4.1: 104,117 of 1,613,608 alleles (6.5%); highest among the groups gnomAD compares: African/African-American, 8.8%; 3,591 homozygotes.

Submissions (10):

Labcorp Genetics (formerly Invitae), Labcorp
Classification: Benign for Fanconi anemia. Last evaluated: 2026-02-04. Review status: criteria provided, single submitter. Criteria: Invitae Variant Classification Sherloc (09022015). Collection method: clinical testing. Allele origin: germline.

Mayo Clinic Laboratories, Mayo Clinic
Classification: Benign. Last evaluated: 2025-09-15. Review status: criteria provided, single submitter. Criteria: ACMG Guidelines, 2015. Collection method: clinical testing. Allele origin: germline. Observed: 2 variant alleles.

ARUP Laboratories, Molecular Genetics and Genomics, ARUP Laboratories
Classification: Benign for Fanconi anemia complementation group P. Last evaluated: 2025-07-02. Review status: criteria provided, single submitter. Criteria: ARUP Molecular Germline Variant Investigation Process 2024. Collection method: clinical testing. Allele origin: germline.

Blueprint Genetics
Classification: Likely benign. Last evaluated: 2024-11-27. Review status: criteria provided, single submitter. Criteria: ACMG Guidelines, 2015. Collection method: clinical testing. Allele origin: germline.

KCCC/NGS Laboratory, Kuwait Cancer Control Center
Classification: Benign for Fanconi anemia complementation group P. Last evaluated: 2023-07-07. Review status: criteria provided, single submitter. Criteria: ACMG Guidelines, 2015. Collection method: clinical testing. Allele origin: germline. Affected: yes.

GeneDx
Classification: Benign. Last evaluated: 2019-02-24. Review status: criteria provided, single submitter. Criteria: GeneDx Variant Classification Process June 2021. Collection method: clinical testing. Allele origin: germline. Affected: yes.

Illumina Laboratory Services, Illumina
Classification: Benign for Fanconi anemia complementation group P. Last evaluated: 2018-01-12. Review status: criteria provided, single submitter. Criteria: ICSL Variant Classification Criteria 13 December 2019. Collection method: clinical testing. Allele origin: germline.
Comment: This variant was observed in the ICSL laboratory as part of a predisposition screen in an ostensibly healthy population. It had not been previously curated by ICSL or reported in the Human Gene Mutation Database (HGMD: prior to June 1st, 2018), and was therefore a candidate for classification through an automated scoring system. Utilizing variant allele frequency, disease prevalence and penetrance estimates, and inheritance mode, an automated score was calculated to assess if this variant is too frequent to cause the disease. Based on the score and internal cut-off values, a variant classified as benign is not then subjected to further curation. The score for this variant resulted in a classification of benign for this disease.

Breakthrough Genomics
Classification: Benign. Review status: criteria provided, single submitter. Criteria: ACMG Guidelines, 2015. Collection method: not provided. Allele origin: germline. Inheritance: Autosomal recessive inheritance. Affected: yes.

PreventionGenetics, part of Exact Sciences
Classification: Benign. Review status: criteria provided, single submitter. Criteria: ACMG Guidelines, 2015. Collection method: clinical testing. Allele origin: germline.

Leiden Open Variation Database
Classification: Likely benign. Last evaluated: 2012-08-31. Review status: no assertion criteria provided. Collection method: curation. Allele origin: germline. Affected: yes. Not counted in ClinVar's aggregate classification.
Comment: Curator: Arleen D. Auerbach. Submitter to LOVD: Janine Bakker.

Literature cited by the submitters: PubMed 22911665 (cited by Leiden Open Variation Database).

NM_032444.4(SLX4):c.2012T>C (p.Leu671Ser)

Gene: SLX4 (SLX4 structure-specific endonuclease subunit; minus strand). Cytogenetic location: 16p13.3.
Variant type: single nucleotide variant.
Coding change: c.2012T>C on transcript NM_032444.4 (MANE Select); coding-DNA position 2012, T replaced by C.
Protein change: p.Leu671Ser; replaces leucine 671 with serine.
Molecular consequence: missense variant.
Genome position (GRCh38, 1-based): chr16:3,595,606, A>G on the plus strand (T>C on the coding strand, the complement: SLX4 is on the minus strand). VCF-style: chr16-3595606-A-G. GRCh37 (hg19) VCF-style: chr16-3645607-A-G.
Other names: c.2012T>C (NM_032444.3, LRG_503t1); short protein forms L671S.
Identifiers: ClinVar variation 262040 (VCV000262040.32), dbSNP rs77985244, ClinGen allele CA7866336.